The following is an entry in ClinVar:

ClinVar aggregate classification (germline): Uncertain significance (1 of 4 stars; one submission).

gnomAD v4.1: 1 of 601,260 alleles (0.00017%); highest among the groups gnomAD compares: Non-Finnish European, 0.0002%; no homozygotes.

Submission:

Dasa
Classification: Uncertain significance. Last evaluated: 2025-01-30. Review status: criteria provided, single submitter. Criteria: DASA Assertion Criteria. Collection method: clinical testing. Allele origin: germline.
Comment: NM_001194.4(HCN2):c.80C>T (p.Pro27Leu) is a missense variant that results in the substitution of proline with leucine. This variant is rare in population databases. Computational prediction algorithms are consistent with a benign effect. The currently available literature and clinical evidence are not sufficient to establish a definitive association between this variant and the reported condition. Therefore, this variant is classified as a variant of uncertain significance.

NM_001194.4(HCN2):c.80C>T (p.Pro27Leu)

Gene: HCN2 (hyperpolarization activated cyclic nucleotide gated potassium and sodium channel 2; plus strand). Cytogenetic location: 19p13.3.
Variant type: single nucleotide variant.
Coding change: c.80C>T on transcript NM_001194.4 (MANE Select); coding-DNA position 80, C replaced by T.
Protein change: p.Pro27Leu; replaces proline 27 with leucine.
Molecular consequence: missense variant.
Genome position (GRCh38, 1-based): chr19:590,025, C>T. VCF-style: chr19-590025-C-T. GRCh37 (hg19) VCF-style: chr19-590025-C-T.
Other names: short protein forms P27L.
Identifiers: ClinVar variation 5021006 (VCV005021006.1).
Genomic context (GRCh38, chr19:590,025, plus strand): 5'-GCGGGCGGCCCGGGGAGAGCCCGGGCGCGACCCCCGCGCCGGGGCCGCCGCCGCCGCCGC[C>T]GCCCGCGCCCCCCCAACAGCAGCCGCCGCCGCCGCCGCCGCCCGCGCCCCCCCCGGGCCC-3'
Protein context (NP_001185.3, residues 17-37): TPAPGPPPPP[Pro27Leu]PAPPQQQPPP